The following is an entry in ClinVar:

ClinVar aggregate classification (germline): Pathogenic (1 of 4 stars; one submission).

Submission:

Labcorp Genetics (formerly Invitae), Labcorp
Classification: Pathogenic. Last evaluated: 2023-11-17. Review status: criteria provided, single submitter. Criteria: Invitae Variant Classification Sherloc (09022015). Collection method: clinical testing. Allele origin: germline.
Comment: This sequence change creates a premature translational stop signal (p.Ser1431Valfs*17) in the TET2 gene. It is expected to result in an absent or disrupted protein product. Loss-of-function variants in TET2 are known to be pathogenic (PMID: 36066697). This variant is not present in population databases (gnomAD no frequency). This variant has not been reported in the literature in individuals affected with TET2-related conditions. For these reasons, this variant has been classified as Pathogenic.

Literature cited by the submitters: PubMed 36066697.

NM_001127208.3(TET2):c.4290del (p.Ser1431fs)

Genes: TET2 (tet methylcytosine dioxygenase 2; plus strand), TET2-AS1 (TET2 antisense RNA 1; minus strand). Cytogenetic location: 4q24.
Variant type: Deletion.
Coding change: c.4290del on transcript NM_001127208.3 (MANE Select); coding-DNA position 4290, one base deleted (G; older notation c.4290delG).
Protein change: p.Ser1431fs; shifts the reading frame from serine 1431.
Molecular consequence: frameshift variant.
Genome position (GRCh38, 1-based): chr4:105,272,671, G deleted; the last of 3 consecutive G bases (chr4:105,272,669-105,272,671); deleting any one gives the same sequence. VCF-style (leftmost placement, unchanged base first): chr4-105272668-TG-T. GRCh37 (hg19) VCF-style: chr4-106193825-TG-T.
Other names: short protein forms S1431fs.
Identifiers: ClinVar variation 2696871 (VCV002696871.3), dbSNP rs2110306146, ClinGen allele CA2697546844.